The following is an entry in ClinVar:

ClinVar aggregate classification (germline): Uncertain significance (1 of 4 stars; one submission).

Allele frequency attached by ClinVar (database versions not stated): gnomAD 0.00001; TOPMed 0.00001; ExAC 0.00069.
gnomAD v4.1: 44 of 1,535,146 alleles (0.0029%); highest among the groups gnomAD compares: South Asian, 0.039%; no homozygotes.

Submission:

Labcorp Genetics (formerly Invitae), Labcorp
Classification: Uncertain significance. Last evaluated: 2024-11-05. Review status: criteria provided, single submitter. Criteria: Invitae Variant Classification Sherloc (09022015). Collection method: clinical testing. Allele origin: germline.
Comment: This sequence change replaces glycine, which is neutral and non-polar, with serine, which is neutral and polar, at codon 97 of the DLL1 protein (p.Gly97Ser). This variant is present in population databases (rs756047968, gnomAD 0.06%), and has an allele count higher than expected for a pathogenic variant. This variant has not been reported in the literature in individuals affected with DLL1-related conditions. ClinVar contains an entry for this variant (Variation ID: 1910489). An algorithm developed to predict the effect of missense changes on protein structure and function outputs the following: PolyPhen-2: "Benign". The serine amino acid residue is found in multiple mammalian species, which suggests that this missense change does not adversely affect protein function. In summary, the available evidence is currently insufficient to determine the role of this variant in disease. Therefore, it has been classified as a Variant of Uncertain Significance.

NM_005618.4(DLL1):c.289G>A (p.Gly97Ser)

Gene: DLL1 (delta like canonical Notch ligand 1; minus strand). Cytogenetic location: 6q27.
Variant type: single nucleotide variant.
Coding change: c.289G>A on transcript NM_005618.4 (MANE Select); coding-DNA position 289, G replaced by A.
Protein change: p.Gly97Ser; replaces glycine 97 with serine.
Molecular consequence: missense variant.
Genome position (GRCh38, 1-based): chr6:170,289,574, C>T on the plus strand (G>A on the coding strand, the complement: DLL1 is on the minus strand). VCF-style: chr6-170289574-C-T. GRCh37 (hg19) VCF-style: chr6-170598662-C-T.
Other names: short protein forms G97S.
Identifiers: ClinVar variation 1910489 (VCV001910489.5), dbSNP rs756047968, ClinGen allele CA4107196.
Genomic context (GRCh38, chr6:170,289,574, plus strand): 5'-GCCAGGTGAAGCCGAAGGGGAAGCGGATGGGGTTGCTGAACGCGGAGTCGGCGCCCCCGC[C>T]GTCGGGCAGACTGAAGGAGTCGACGCCCAGCACGGGGGTGACGGCGCTGCCGTAGGTGCA-3'
Protein context (NP_005609.3, residues 87-107): LGVDSFSLPD[Gly97Ser]GGADSAFSNP